The following is an entry in ClinVar:

NM_005876.5(SPEG):c.7948C>T (p.Arg2650Trp)

Genes: ASIC4-AS1 (ASIC4 antisense RNA 1; minus strand), SPEG (striated muscle enriched protein kinase; plus strand). Cytogenetic location: 2q35.
Variant type: single nucleotide variant.
Coding change: c.7948C>T on transcript NM_005876.5 (MANE Select); coding-DNA position 7948, C replaced by T.
Protein change: p.Arg2650Trp; replaces arginine 2650 with tryptophan.
Molecular consequence: missense variant.
Genome position (GRCh38, 1-based): chr2:219,488,587, C>T. VCF-style: chr2-219488587-C-T. GRCh37 (hg19) VCF-style: chr2-220353309-C-T.
Other names: c.7948C>T (NM_005876.4); short protein forms R2650W.
Identifiers: ClinVar variation 2187163 (VCV002187163.3), dbSNP rs535655060, ClinGen allele CA2127338.

ClinVar aggregate classification (germline): Uncertain significance. Review status: criteria provided, multiple submitters, no conflicts (2 of 4 stars). 2 submissions from 2 submitters: Uncertain significance (2). Last evaluated 2023-12-09.

Conditions:
Inborn genetic diseases. Identifiers: MedGen C0950123, MeSH D030342.

Allele frequency attached by ClinVar (database versions not stated): ExAC 0.00001; TOPMed 0.00003; gnomAD 0.00004; gnomAD exomes 0.00005; 1000 Genomes Project 30x 0.00016; 1000 Genomes Project 0.00020.
gnomAD v4.1: 73 of 1,612,144 alleles (0.0045%); highest among the groups gnomAD compares: Non-Finnish European, 0.0056%; no homozygotes.

Submissions (2):

Ambry Genetics
Classification: Uncertain significance for Inborn genetic diseases. Last evaluated: 2023-12-09. Review status: criteria provided, single submitter. Criteria: Ambry Variant Classification Scheme 2023. Collection method: clinical testing. Allele origin: germline.

Labcorp Genetics (formerly Invitae), Labcorp
Classification: Uncertain significance. Last evaluated: 2022-05-29. Review status: criteria provided, single submitter. Criteria: Invitae Variant Classification Sherloc (09022015). Collection method: clinical testing. Allele origin: germline.
Comment: This sequence change replaces arginine, which is basic and polar, with tryptophan, which is neutral and slightly polar, at codon 2650 of the SPEG protein (p.Arg2650Trp). The frequency data for this variant in the population databases is considered unreliable, as metrics indicate poor data quality at this position in the gnomAD database. This variant has not been reported in the literature in individuals affected with SPEG-related conditions. Algorithms developed to predict the effect of missense changes on protein structure and function output the following: SIFT: "Deleterious"; PolyPhen-2: "Benign"; Align-GVGD: "Class C0". The tryptophan amino acid residue is found in multiple mammalian species, which suggests that this missense change does not adversely affect protein function. In summary, the available evidence is currently insufficient to determine the role of this variant in disease. Therefore, it has been classified as a Variant of Uncertain Significance.